The following is an entry in ClinVar:

NM_001851.6(COL9A1):c.2015_2032del (p.Pro672_Glu677del)

Gene: COL9A1 (collagen type IX alpha 1 chain; minus strand). Cytogenetic location: 6q13.
Variant type: Deletion.
Coding change: c.2015_2032del on transcript NM_001851.6 (MANE Select); coding-DNA positions 2015 to 2032, 18 bases deleted (CGGGTCCAAAGGGTGAAC).
Protein change: p.Pro672_Glu677del.
Molecular consequence: inframe deletion. On other transcripts: non-coding transcript variant (1).
Genome position (GRCh38, 1-based): chr6:70,241,421-70,241,438, GTTCACCCTTTGGACCCG deleted on the plus strand (CGGGTCCAAAGGGTGAAC on the coding strand, the reverse complement: COL9A1 is on the minus strand); deleting any 18 consecutive bases within chr6:70,241,421-70,241,445 gives the same sequence; the c. name uses the placement nearest the transcript's 3' end. VCF-style (leftmost placement, unchanged base first): chr6-70241420-TGTTCACCCTTTGGACCCG-T. GRCh37 (hg19) VCF-style: chr6-70951123-TGTTCACCCTTTGGACCCG-T.
Other names: c.1316_1333del, p.Pro439_Glu444del (NM_001377289.1); c.1286_1303del, p.Pro429_Glu434del (NM_001377290.1, NM_078485.4).
Identifiers: ClinVar variation 1417686 (VCV001417686.6), dbSNP rs2127565324, ClinGen allele CA2573141084.

ClinVar aggregate classification (germline): Uncertain significance (1 of 4 stars; one submission).

Submission:

Labcorp Genetics (formerly Invitae), Labcorp
Classification: Uncertain significance. Last evaluated: 2022-07-06. Review status: criteria provided, single submitter. Criteria: Invitae Variant Classification Sherloc (09022015). Collection method: clinical testing. Allele origin: germline.
Comment: This variant, c.2015_2032del, results in the deletion of 6 amino acid(s) of the COL9A1 protein (p.Pro672_Glu677del), but otherwise preserves the integrity of the reading frame. This variant is not present in population databases (gnomAD no frequency). This variant has not been reported in the literature in individuals affected with COL9A1-related conditions. In summary, the available evidence is currently insufficient to determine the role of this variant in disease. Therefore, it has been classified as a Variant of Uncertain Significance. ClinVar contains an entry for this variant (Variation ID: 1417686). Experimental studies and prediction algorithms are not available or were not evaluated, and the functional significance of this variant is currently unknown. Algorithms developed to predict the effect of sequence changes on RNA splicing suggest that this variant may disrupt the consensus splice site.